The following is an entry in ClinVar:

ClinVar aggregate classification (germline): Likely pathogenic (1 of 4 stars; one submission).

Conditions:
Medium-chain acyl-coenzyme A dehydrogenase deficiency (ACADMD). Also called: ACADM DEFICIENCY; CARNITINE DEFICIENCY SECONDARY TO MEDIUM-CHAIN ACYL-CoA DEHYDROGENASE DEFICIENCY; MCADH DEFICIENCY; MCADD; Medium chain acyl-CoA dehydrogenase deficiency; MCAD Deficiency. Identifiers: Orphanet 42, MedGen C0220710, MONDO:0008721, OMIM 201450.

Submission:

Natera, Inc.
Classification: Likely pathogenic for Medium Chain Acyl-CoA Dehydrogenase Deficiency. Last evaluated: 2025-03-13. Review status: criteria provided, single submitter. Criteria: Natera Variant Classification Schema (03/2026). Collection method: clinical testing. Allele origin: germline.
Comment: The c.1001del variant in ACADM is a frameshift variant predicted to shift the reading frame beginning at codon 334 and leads to a stop codon 2 codons downstream. This variant is expected to result in nonsense mediated decay, truncation, or a dysfunctional protein product. This variant is rare in the general population with a frequency below the threshold expected for the associated phenotype(s). Given the available evidence, this variant is classified as Likely Pathogenic.

NM_000016.6(ACADM):c.1001del (p.Arg334fs)

Gene: ACADM (acyl-CoA dehydrogenase medium chain; plus strand). Cytogenetic location: 1p31.1.
Variant type: Deletion.
Coding change: c.1001del on transcript NM_000016.6 (MANE Select); coding-DNA position 1001, one base deleted (G; older notation c.1001delG).
Protein change: p.Arg334fs; shifts the reading frame from arginine 334.
Molecular consequence: frameshift variant.
Genome position (GRCh38, 1-based): chr1:75,761,177, G deleted. VCF-style (leftmost placement, unchanged base first): chr1-75761176-AG-A. GRCh37 (hg19) VCF-style: chr1-76226861-AG-A.
Other names: c.1013del, p.Arg338fs (NM_001127328.3); c.893del, p.Arg298fs (NM_001286042.2); c.1100del, p.Arg367fs (NM_001286043.2); c.434del, p.Arg145fs (NM_001286044.2); c.1001delG, p.Arg334Lysfs (NM_000016.5); short protein forms R145fs, R298fs, R334fs, R338fs, R367fs.
Identifiers: ClinVar variation 4064619 (VCV004064619.2).
Genomic context (GRCh38, chr1:75,761,176, plus strand): 5'-TTCTAGCACCAAGCAATATCATTTATGCTGGCTGAAATGGCAATGAAAGTTGAACTAGCT[AG>A]AATGAGTTACCAGAGAGCAGCTTGGGAGGTTGATTCTGGTCGTCGAAATACCTATTATGC-3'